The following is an entry in ClinVar:

ClinVar aggregate classification (germline): Uncertain significance. Review status: criteria provided, multiple submitters, no conflicts (2 of 4 stars). 2 submissions from 2 submitters: Uncertain significance (2). Last evaluated 2025-07-27.

Conditions:
Inborn genetic diseases. Identifiers: MedGen C0950123, MeSH D030342.

Allele frequency attached by ClinVar (database versions not stated): ExAC 0.00001; gnomAD exomes 0.00001; TOPMed 0.00001.
gnomAD v4.1: 3 of 1,608,090 alleles (0.00019%); highest among the groups gnomAD compares: Non-Finnish European, 0.00025%; no homozygotes.

Submissions (2):

Labcorp Genetics (formerly Invitae), Labcorp
Classification: Uncertain significance. Last evaluated: 2025-07-27. Review status: criteria provided, single submitter. Criteria: Invitae Variant Classification Sherloc (09022015). Collection method: clinical testing. Allele origin: germline.
Comment: This sequence change replaces tyrosine, which is neutral and polar, with cysteine, which is neutral and slightly polar, at codon 1190 of the FLNB protein (p.Tyr1190Cys). This variant is present in population databases (rs775024838, gnomAD 0.002%). This variant has not been reported in the literature in individuals affected with FLNB-related conditions. ClinVar contains an entry for this variant (Variation ID: 2211151). Invitae Evidence Modeling of protein sequence and biophysical properties (such as structural, functional, and spatial information, amino acid conservation, physicochemical variation, residue mobility, and thermodynamic stability) indicates that this missense variant is not expected to disrupt FLNB protein function with a negative predictive value of 80%. In summary, the available evidence is currently insufficient to determine the role of this variant in disease. Therefore, it has been classified as a Variant of Uncertain Significance.

Ambry Genetics
Classification: Uncertain significance for Inborn genetic diseases. Last evaluated: 2022-06-17. Review status: criteria provided, single submitter. Criteria: Ambry Variant Classification Scheme 2023. Collection method: clinical testing. Allele origin: germline.

NM_001457.4(FLNB):c.3569A>G (p.Tyr1190Cys)

Gene: FLNB (filamin B; plus strand). Cytogenetic location: 3p14.3.
Variant type: single nucleotide variant.
Coding change: c.3569A>G on transcript NM_001457.4 (MANE Select); coding-DNA position 3569, A replaced by G.
Protein change: p.Tyr1190Cys; replaces tyrosine 1190 with cysteine.
Molecular consequence: missense variant.
Genome position (GRCh38, 1-based): chr3:58,123,535, A>G. VCF-style: chr3-58123535-A-G. GRCh37 (hg19) VCF-style: chr3-58109262-A-G.
Other names: c.3569A>G, p.Tyr1190Cys (NM_001164317.2, NM_001164318.2, NM_001164319.2); short protein forms Y1190C.
Identifiers: ClinVar variation 2211151 (VCV002211151.3), dbSNP rs775024838, ClinGen allele CA2468442.